The following is an entry in ClinVar:

NM_001042492.3(NF1):c.97A>G (p.Lys33Glu)

Gene: NF1 (neurofibromin 1; plus strand). Cytogenetic location: 17q11.2.
Variant type: single nucleotide variant.
Coding change: c.97A>G on transcript NM_001042492.3 (MANE Select); coding-DNA position 97, A replaced by G.
Protein change: p.Lys33Glu; replaces lysine 33 with glutamic acid.
Molecular consequence: missense variant.
Genome position (GRCh38, 1-based): chr17:31,156,019, A>G. VCF-style: chr17-31156019-A-G. GRCh37 (hg19) VCF-style: chr17-29483037-A-G.
Other names: c.97A>G, p.Lys33Glu (NM_000267.4, NM_001128147.3); short protein forms K33E.
Identifiers: ClinVar variation 404529 (VCV000404529.6), dbSNP rs1060500324, ClinGen allele CA16615540.

ClinVar aggregate classification (germline): Uncertain significance. Review status: criteria provided, multiple submitters, no conflicts (2 of 4 stars). 2 submissions from 2 submitters: Uncertain significance (2). Last evaluated 2024-09-18.

Conditions:
Hereditary cancer-predisposing syndrome. Also called: Tumor predisposition; Neoplastic Syndromes, Hereditary; Hereditary Cancer Syndrome; Hereditary neoplastic syndrome. Identifiers: Orphanet 140162, MedGen C0027672, MeSH D009386, MONDO:0015356.
Cardiovascular phenotype. Identifiers: MedGen CN230736.
Neurofibromatosis, type 1 (NF1). Also called: Neurofibromatosis, type I; NEUROFIBROMATOSIS, TYPE I, SOMATIC; Peripheral type neurofibromatosis; VON RECKLINGHAUSEN DISEASE. Identifiers: Orphanet 636, MedGen C0027831, MONDO:0018975, OMIM 162200. Disease mechanism: loss of function.

Submissions (2):

Ambry Genetics
Classification: Uncertain significance for Cardiovascular phenotype; Hereditary cancer-predisposing syndrome. Last evaluated: 2024-09-18. Review status: criteria provided, single submitter. Criteria: Ambry Variant Classification Scheme 2023. Collection method: clinical testing. Allele origin: germline.
Comment: The p.K33E variant (also known as c.97A>G), located in coding exon 2 of the NF1 gene, results from an A to G substitution at nucleotide position 97. The lysine at codon 33 is replaced by glutamic acid, an amino acid with similar properties. This amino acid position is highly conserved in available vertebrate species. In addition, the in silico prediction for this alteration is inconclusive. Based on the available evidence, the clinical significance of this variant remains unclear.

Labcorp Genetics (formerly Invitae), Labcorp
Classification: Uncertain significance for Neurofibromatosis, type 1. Last evaluated: 2016-11-30. Review status: criteria provided, single submitter. Criteria: Invitae Variant Classification Sherloc (09022015). Collection method: clinical testing. Allele origin: germline.
Comment: This sequence change replaces lysine with glutamic acid at codon 33 of the NF1 protein (p.Lys33Glu). The lysine residue is highly conserved and there is a small physicochemical difference between lysine and glutamic acid. This variant is not present in population databases (ExAC no frequency) and has not been reported in the literature in individuals with a NF1-related disease. Algorithms developed to predict the effect of missense changes on protein structure and function do not agree on the potential impact of this missense change (SIFT: "Tolerated"; PolyPhen-2: "Probably Damaging"; Align-GVGD: "Class C0"). In summary, this variant is a novel missense change with uncertain impact on protein function. It has been classified as a Variant of Uncertain Significance.